The following is an entry in ClinVar:

ClinVar aggregate classification (germline): Uncertain significance. Review status: reviewed by expert panel (3 of 4 stars). 5 submissions from 5 submitters: Uncertain significance (1). 4 of the submissions do not count toward it. Last evaluated 2024-12-03.

Conditions:
RASopathy. Also called: Noonan spectrum disorder; rasopathies. Identifiers: Orphanet 536391, MedGen C5555857, MONDO:0021060.
Noonan syndrome 6 (NS6). Also called: NRAS-Related Noonan Syndrome. Identifiers: Orphanet 648, MedGen C2750732, MONDO:0013186, OMIM 613224.

Allele frequency attached by ClinVar (database versions not stated): gnomAD 0.00001; ExAC 0.00002; gnomAD exomes 0.00002; TOPMed 0.00002; ESP Exome Variant Server 0.00008.
gnomAD v4.1: 26 of 1,614,002 alleles (0.0016%); highest among the groups gnomAD compares: Middle Eastern, 0.016%; no homozygotes.

Submissions (5):

ClinGen RASopathy Variant Curation Expert Panel
Classification: Uncertain significance for RASopathy. Last evaluated: 2024-12-03. Review status: reviewed by expert panel. Criteria: ClinGen RASopathy ACMG Specifications NRAS V2.3.0. Collection method: curation. Allele origin: germline. Inheritance: Autosomal dominant inheritance.
Comment: The NM_002524.5:c.250A>G variant in NRAS is a missense variant predicted to cause substitution of isoleucine by valine at amino acid 84 (p.Ile84Val). The highest population minor allele frequency in gnomAD v2.1.1 is 0.00003870 (5/129184 alleles) in the European (non-Finnish) population (PM2_Supporting, BS1, and BA1 are not met). The computational predictor REVEL gives a score of 0.247, which is below the threshold of 0.3, evidence that does not predict a damaging effect on NRAS function (BP4). In summary, this variant meets the criteria to be classified as uncertain significance for autosomal dominant RASopathy based on the ACMG/AMP criteria applied, as specified by the ClinGen RASopathy VCEP: BP4. (ClinGen RASopathy VCEP specifications version 2.3; 12/3/2024)

Labcorp Genetics (formerly Invitae), Labcorp
Classification: Uncertain significance for RASopathy. Last evaluated: 2025-07-14. Review status: criteria provided, single submitter. Criteria: Invitae Variant Classification Sherloc (09022015). Collection method: clinical testing. Allele origin: germline. Not counted in ClinVar's aggregate classification.
Comment: This sequence change replaces isoleucine, which is neutral and non-polar, with valine, which is neutral and non-polar, at codon 84 of the NRAS protein (p.Ile84Val). This variant is present in population databases (rs376177995, gnomAD 0.004%). This variant has not been reported in the literature in individuals affected with NRAS-related conditions. ClinVar contains an entry for this variant (Variation ID: 424299). Invitae Evidence Modeling of protein sequence and biophysical properties (such as structural, functional, and spatial information, amino acid conservation, physicochemical variation, residue mobility, and thermodynamic stability) indicates that this missense variant is not expected to disrupt NRAS protein function with a negative predictive value of 95%. In summary, the available evidence is currently insufficient to determine the role of this variant in disease. Therefore, it has been classified as a Variant of Uncertain Significance.

Blueprint Genetics
Classification: Uncertain significance. Last evaluated: 2024-05-31. Review status: criteria provided, single submitter. Criteria: ACMG Guidelines, 2015. Collection method: clinical testing. Allele origin: germline. Not counted in ClinVar's aggregate classification.

Illumina Laboratory Services, Illumina
Classification: Uncertain significance for Noonan syndrome 6. Last evaluated: 2018-01-12. Review status: criteria provided, single submitter. Criteria: ICSL Variant Classification Criteria 13 December 2019. Collection method: clinical testing. Allele origin: germline. Not counted in ClinVar's aggregate classification.

GeneDx
Classification: Uncertain significance. Last evaluated: 2017-03-17. Review status: criteria provided, single submitter. Criteria: GeneDx Variant Classification (06012015). Collection method: clinical testing. Allele origin: germline. Affected: yes. Not counted in ClinVar's aggregate classification.
Comment: A variant of uncertain significance has been identified in the NRAS gene. The I84V variant has not been published as pathogenic or benign in association with cardiomyopathy to our knowledge. This variant is also not observed at a significant frequency in large population cohorts (Lek et al., 2016; 1000 Genomes Consortium et al., 2015; Exome Variant Server). This substitution occurs at a position that is conserved across species and in silico analysis predicts this variant is probably damaging to the protein structure/function. Nevertheless, I84V is a conservative amino acid substitution, which is not likely to impact secondary protein structure as these residues share similar properties.

NM_002524.5(NRAS):c.250A>G (p.Ile84Val)

Gene: NRAS (NRAS proto-oncogene, GTPase; minus strand). Cytogenetic location: 1p13.2.
Variant type: single nucleotide variant.
Coding change: c.250A>G on transcript NM_002524.5 (MANE Select); coding-DNA position 250, A replaced by G.
Protein change: p.Ile84Val; replaces isoleucine 84 with valine.
Molecular consequence: missense variant.
Genome position (GRCh38, 1-based): chr1:114,713,840, T>C on the plus strand (A>G on the coding strand, the complement: NRAS is on the minus strand). VCF-style: chr1-114713840-T-C. GRCh37 (hg19) VCF-style: chr1-115256461-T-C.
Other names: NM_002524.5(NRAS):c.250A>G; p.Ile84Val; c.250A>G (LRG_92t1); short protein forms I84V.
Identifiers: ClinVar variation 424299 (VCV000424299.17), dbSNP rs376177995, ClinGen allele CA1020748.